The following is an entry in ClinVar:

NM_030962.4(SBF2):c.703A>G (p.Ser235Gly)

Gene: SBF2 (SET binding factor 2; minus strand). Cytogenetic location: 11p15.4.
Variant type: single nucleotide variant.
Coding change: c.703A>G on transcript NM_030962.4 (MANE Select); coding-DNA position 703, A replaced by G.
Protein change: p.Ser235Gly; replaces serine 235 with glycine.
Molecular consequence: missense variant.
Genome position (GRCh38, 1-based): chr11:10,002,606, T>C on the plus strand (A>G on the coding strand, the complement: SBF2 is on the minus strand). VCF-style: chr11-10002606-T-C. GRCh37 (hg19) VCF-style: chr11-10024153-T-C.
Other names: c.703A>G, p.Ser235Gly (NM_001386339.1, NM_001386342.1); short protein forms S235G.
Identifiers: ClinVar variation 862138 (VCV000862138.11), dbSNP rs1441387053, ClinGen allele CA379643508.

ClinVar aggregate classification (germline): Uncertain significance. Review status: criteria provided, multiple submitters, no conflicts (2 of 4 stars). 3 submissions from 3 submitters: Uncertain significance (3). Last evaluated 2022-10-13.

Conditions:
Inborn genetic diseases. Identifiers: MedGen C0950123, MeSH D030342.
Charcot-Marie-Tooth disease type 4. Also called: Charcot-Marie-Tooth disease, type IV; Charcot-Marie-Tooth, Type 4. Identifiers: Orphanet 64749, MedGen C4082197, MONDO:0018995.
Charcot-Marie-Tooth disease. Also called: Charcot-Marie-Tooth Neuropathy; Charcot-Marie-Tooth Hereditary Neuropathy. Identifiers: Orphanet 166, MedGen C0007959, MONDO:0015626.

Allele frequency attached by ClinVar (database versions not stated): gnomAD exomes below 0.00001; gnomAD 0.00001; TOPMed 0.00001.
gnomAD v4.1: 3 of 1,612,824 alleles (0.00019%); highest among the groups gnomAD compares: Non-Finnish European, 0.00025%; no homozygotes.

Submissions (3):

Labcorp Genetics (formerly Invitae), Labcorp
Classification: Uncertain significance for Charcot-Marie-Tooth disease type 4. Last evaluated: 2022-10-13. Review status: criteria provided, single submitter. Criteria: Invitae Variant Classification Sherloc (09022015). Collection method: clinical testing. Allele origin: germline.
Comment: ClinVar contains an entry for this variant (Variation ID: 862138). In summary, the available evidence is currently insufficient to determine the role of this variant in disease. Therefore, it has been classified as a Variant of Uncertain Significance. Advanced modeling of protein sequence and biophysical properties (such as structural, functional, and spatial information, amino acid conservation, physicochemical variation, residue mobility, and thermodynamic stability) performed at Invitae indicates that this missense variant is not expected to disrupt SBF2 protein function. This missense change has been observed in individual(s) with Charcot-Marie-Tooth disease (PMID: 32376792). This variant is present in population databases (no rsID available, gnomAD 0.007%). This sequence change replaces serine, which is neutral and polar, with glycine, which is neutral and non-polar, at codon 235 of the SBF2 protein (p.Ser235Gly).

Ambry Genetics
Classification: Uncertain significance for Inborn genetic diseases. Last evaluated: 2019-09-26. Review status: criteria provided, single submitter. Criteria: Ambry Variant Classification Scheme 2023. Collection method: clinical testing. Allele origin: germline.
Comment: The p.S235G variant (also known as c.703A>G), located in coding exon 7 of the SBF2 gene, results from an A to G substitution at nucleotide position 703. The serine at codon 235 is replaced by glycine, an amino acid with similar properties. This amino acid position is not well conserved in available vertebrate species. In addition, this alteration is predicted to be tolerated by in silico analysis. Since supporting evidence is limited at this time, the clinical significance of this alteration remains unclear.

Molecular Genetics Laboratory, London Health Sciences Centre
Classification: Uncertain significance for Charcot-Marie-Tooth disease. Review status: criteria provided, single submitter. Criteria: ACMG Guidelines, 2015. Collection method: clinical testing. Allele origin: germline. Affected: yes.

Literature cited by the submitters: PubMed 32376792 (cited by Labcorp Genetics (formerly Invitae), Labcorp).